The following is an entry in ClinVar:

NM_032043.3(BRIP1):c.2286T>C (p.Arg762=)

Gene: BRIP1 (BRCA1 interacting DNA helicase 1; minus strand). Cytogenetic location: 17q23.2.
Variant type: single nucleotide variant.
Coding change: c.2286T>C on transcript NM_032043.3 (MANE Select); coding-DNA position 2286, T replaced by C.
Protein change: p.Arg762=; no amino-acid change (arginine 762 retained).
Molecular consequence: synonymous variant.
Genome position (GRCh38, 1-based): chr17:61,743,106, A>G on the plus strand (T>C on the coding strand, the complement: BRIP1 is on the minus strand). VCF-style: chr17-61743106-A-G. GRCh37 (hg19) VCF-style: chr17-59820467-A-G.
Other names: p.R762R:CGT>CGC.
Identifiers: ClinVar variation 136575 (VCV000136575.66), dbSNP rs61754141, ClinGen allele CA289734.

ClinVar aggregate classification (germline): Benign/Likely benign. Review status: criteria provided, multiple submitters, no conflicts (2 of 4 stars). 22 submissions from 21 submitters: Benign (9); Likely benign (10). 3 of the submissions do not count toward it. Last evaluated 2026-02-03.

Conditions:
Breast and/or ovarian cancer. Identifiers: MedGen CN221562.
Hereditary cancer-predisposing syndrome. Also called: Tumor predisposition; Hereditary neoplastic syndrome; Hereditary Cancer Syndrome; Neoplastic Syndromes, Hereditary. Identifiers: Orphanet 140162, MedGen C0027672, MeSH D009386, MONDO:0015356.
Familial cancer of breast. Also called: Hereditary breast cancer; hereditary breast carcinoma; BREAST CANCER, FAMILIAL. Identifiers: Orphanet 227535, MedGen C0346153, MONDO:0016419, OMIM 114480. Disease mechanism: loss of function.
Fanconi anemia complementation group J. Also called: BRIP1-Related Fanconi Anemia. Identifiers: Orphanet 84, MedGen C1836860, MONDO:0012187, OMIM 609054.
Ovarian cancer. Also called: OVARIAN CANCER, SOMATIC. Identifiers: Orphanet 213500, MedGen C1140680, MONDO:0008170, OMIM 167000.
Malignant tumor of breast. Also called: Cancer breast; Malignant breast neoplasm. Identifiers: MedGen C0006142, MONDO:0007254. Disease mechanism: loss of function.

Allele frequency attached by ClinVar (database versions not stated): gnomAD exomes 0.00024 and 0.00055; ExAC 0.00050; 1000 Genomes Project 0.00060; 1000 Genomes Project 30x 0.00094; gnomAD 0.00158 and 0.00173; ESP Exome Variant Server 0.00192; TOPMed 0.00203.
gnomAD v4.1: 614 of 1,614,018 alleles (0.038%); highest among the groups gnomAD compares: African/African-American, 0.54%; 2 homozygotes.

Submissions (22):

Labcorp Genetics (formerly Invitae), Labcorp
Classification: Benign for Familial cancer of breast; Fanconi anemia complementation group J. Last evaluated: 2026-02-03. Review status: criteria provided, single submitter. Criteria: Invitae Variant Classification Sherloc (09022015). Collection method: clinical testing. Allele origin: germline.

CeGaT Center for Human Genetics Tuebingen
Classification: Likely benign. Last evaluated: 2026-01-01. Review status: criteria provided, single submitter. Criteria: CeGaT Center For Human Genetics Tuebingen Variant Classification Criteria Version 2. Collection method: clinical testing. Allele origin: germline. Affected: yes. Observed: 4 variant alleles.
Comment: BRIP1: BP4, BP7

Center for Genomic Medicine, Rigshospitalet, Copenhagen University Hospital
Classification: Likely benign. Last evaluated: 2025-03-04. Review status: criteria provided, single submitter. Criteria: ACMG Guidelines, 2015. Collection method: clinical testing. Allele origin: germline.

Molecular Diagnostics Laboratory, Catalan Institute of Oncology
Classification: Likely benign for Hereditary cancer-predisposing syndrome. Last evaluated: 2024-10-01. Review status: criteria provided, single submitter. Criteria: ACMG Guidelines, 2015. Collection method: clinical testing. Allele origin: germline.
Comment: BP4, BP7 c.2286T>C, located in exon 16 of the BRIP1 gene, is predicted to result in no splicing alteration (according to SpliceAI) and no amino acid change, p.(Arg762=) (BP4, BP7). This variant is found in 177/268118 alleles at a frequency of 0.066% in the gnomAD v2.1.1 database, non-cancer dataset. To our knowledge, neither relevant clinical data nor well-stablished functional studies have been reported for this variant. It has been reported in the ClinVar database (9x benign, 9x likely benign) and in the LOVD database (1x benign, 2x likely benign). Based on the currently available information, c.2286T>C is classified as a likely benign variant according to ACMG guidelines.

Blueprint Genetics
Classification: Likely benign. Last evaluated: 2024-09-11. Review status: criteria provided, single submitter. Criteria: ACMG Guidelines, 2015. Collection method: clinical testing. Allele origin: germline.

ARUP Laboratories, Molecular Genetics and Genomics, ARUP Laboratories
Classification: Benign. Last evaluated: 2024-03-20. Review status: criteria provided, single submitter. Criteria: ARUP Molecular Germline Variant Investigation Process 2024. Collection method: clinical testing. Allele origin: germline.

CHEO Genetics Diagnostic Laboratory, Children's Hospital of Eastern Ontario
Classification: Likely benign for Breast and/or ovarian cancer. Last evaluated: 2023-05-01. Review status: criteria provided, single submitter. Criteria: ACMG Guidelines, 2015. Collection method: clinical testing. Allele origin: germline.

Myriad Genetics, Inc.
Classification: Benign for Familial cancer of breast. Last evaluated: 2023-03-01. Review status: criteria provided, single submitter. Criteria: Myriad Autosomal Dominant, Autosomal Recessive and X-Linked Classification Criteria (2023). Collection method: clinical testing. Allele origin: unknown.
Comment: This variant is considered benign. This variant is a silent/synonymous amino acid change and it is not expected to impact splicing.

Quest Diagnostics Nichols Institute San Juan Capistrano
Classification: Benign. Last evaluated: 2022-12-16. Review status: criteria provided, single submitter. Criteria: Quest Diagnostics criteria. Collection method: clinical testing. Allele origin: unknown.

Genetic Services Laboratory, University of Chicago
Classification: Benign. Last evaluated: 2021-04-19. Review status: criteria provided, single submitter. Criteria: ACMG Guidelines, 2015. Collection method: clinical testing. Allele origin: germline. Affected: no.

Sema4
Classification: Benign for Hereditary cancer-predisposing syndrome. Last evaluated: 2020-08-25. Review status: criteria provided, single submitter. Criteria: Sema4 Curation Guidelines. Collection method: curation. Allele origin: germline.

Illumina Laboratory Services, Illumina
Classification: Likely benign for Fanconi anemia complementation group J. Last evaluated: 2018-01-13. Review status: criteria provided, single submitter. Criteria: ICSL Variant Classification Criteria 13 December 2019. Collection method: clinical testing. Allele origin: germline.
Comment: This variant was observed in the ICSL laboratory as part of a predisposition screen in an ostensibly healthy population. It had not been previously curated by ICSL or reported in the Human Gene Mutation Database (HGMD: prior to June 1st, 2018), and was therefore a candidate for classification through an automated scoring system. Utilizing variant allele frequency, disease prevalence and penetrance estimates, and inheritance mode, an automated score was calculated to assess if this variant is too frequent to cause the disease. Based on the score and internal cut-off values, a variant classified as likely benign is not then subjected to further curation. The score for this variant resulted in a classification of likely benign for this disease.

PreventionGenetics, part of Exact Sciences
Classification: Benign. Last evaluated: 2017-08-11. Review status: criteria provided, single submitter. Criteria: ACMG Guidelines, 2015. Collection method: clinical testing. Allele origin: germline.

Institute for Biomarker Research, Medical Diagnostic Laboratories, L.L.C.
Classification: Likely benign for Hereditary cancer-predisposing syndrome. Last evaluated: 2017-07-12. Review status: criteria provided, single submitter. Criteria: ACMG Guidelines, 2015. Collection method: clinical testing. Allele origin: germline.

Women's Health and Genetics/Laboratory Corporation of America, LabCorp
Classification: Benign. Last evaluated: 2016-03-07. Review status: criteria provided, single submitter. Criteria: LabCorp Variant Classification Summary - May 2015. Collection method: clinical testing. Allele origin: germline.
Comment: Variant summary: The BRIP1 c.2286T>C variant affects a conserved nucleotide, resulting in no amino acid change. One in-silico tool predicts a damaging outcome for this variant. 3/5 programs in Alamut predict that this variant does not affect normal splicing. ESE finder predicts that this variant may affect ESE site of SF2/ASF (IgM-BRCA1). However, these predictions have not been confirmed by experimental studies. This variant is found in 61/121286 control chromosomes (1 homozygote) at a frequency of 0.0005029, which is about 8 times the maximal expected frequency of a pathogenic BRIP1 allele (0.0000625), suggesting this variant is benign. In addition, multiple clinical laboratories classified this variant as likely benign/benign. Taken together, this variant was classified as benign.

Color Diagnostics, LLC DBA Color Health
Classification: Likely benign for Hereditary cancer-predisposing syndrome. Last evaluated: 2015-12-08. Review status: criteria provided, single submitter. Criteria: ACMG Guidelines, 2015. Collection method: clinical testing. Allele origin: germline.

Ambry Genetics
Classification: Likely benign for Hereditary cancer-predisposing syndrome. Last evaluated: 2014-06-23. Review status: criteria provided, single submitter. Criteria: Ambry Variant Classification Scheme 2023. Collection method: clinical testing. Allele origin: germline.

GeneDx
Classification: Benign. Last evaluated: 2014-02-03. Review status: criteria provided, single submitter. Criteria: GeneDx Variant Classification (06012015). Collection method: clinical testing. Allele origin: germline. Affected: yes.
Comment: This variant is considered likely benign or benign based on one or more of the following criteria: it is a conservative change, it occurs at a poorly conserved position in the protein, it is predicted to be benign by multiple in silico algorithms, and/or has population frequency not consistent with disease.

Breakthrough Genomics
Classification: Likely benign. Review status: criteria provided, single submitter. Criteria: ACMG Guidelines, 2015. Collection method: not provided. Allele origin: germline. Inheritance: Autosomal dominant inheritance. Affected: yes.

Counsyl
Classification: Likely benign for Fanconi anemia complementation group J. Last evaluated: 2016-09-06. Review status: no assertion criteria provided. Collection method: clinical testing. Allele origin: unknown. Not counted in ClinVar's aggregate classification.

Counsyl
Classification: Likely benign for Ovarian cancer. Last evaluated: 2016-09-06. Review status: no assertion criteria provided. Collection method: clinical testing. Allele origin: unknown. Not counted in ClinVar's aggregate classification.

Department of Pathology and Laboratory Medicine, Sinai Health System
Classification: Likely benign for Malignant tumor of breast. Review status: no assertion criteria provided. Collection method: clinical testing. Allele origin: unknown. Affected: yes. Study: The Canadian Open Genetics Repository (COGR). Not counted in ClinVar's aggregate classification.
Comment: The BRIP1 p.Arg762= variant was identified in 1 of 188 proband chromosomes (frequency: 0.005) from individuals or families with prostate cancer (Ray 2009). The variant was also identified in the following databases, dbSNP (ID: rs61754141) as â€šÃ„ÃºWith Uncertain significance alleleâ€šÃ„Ã¹, ClinVar (7x, as benign by GeneDx, Invitae, as likely benign by Ambry Genetics, Counsyl, as uncertain significance by Illumina), Clinvitae (6x, with conflicting predictions as benign, likely benign and uncertain significance), Zhejiang Colon Cancer Database (1x with unknown pathogenicity). The variant was not identified in Cosmic, MutDB, databases. The variant was identified in control databases in 179 of 276976 (1 homozygous) chromosomes at a frequency of 0.0006 in the following populations: African in 129 of 24038 (1 homozygous) chromosomes (freq. 0.005), other in 2 of 6462 chromosomes (freq. 0.0003), Latino in 25 of 34400 chromosomes (freq. 0.0007), European in 22 of 126538 chromosomes (freq. 0.0002), and South Asian in 1 of 30782 chromosomes (freq. 0.00003), increasing the likelihood this could be a low frequency variant (Genome Aggregation Consortium Feb 27, 2017). The p.Arg762Arg variant is not expected to have clinical significance because it does not result in a change of amino acid. The variant occurs outside of the splicing consensus sequence and 3 of 5 in silico or computational prediction software programs (SpliceSiteFinder, MaxEntScan, NNSPLICE, GeneSplicer, HumanSpliceFinder) predict a greater than 10% difference in splicing. However, this information is not predictive enough to assume pathogenicity. In summary, based on the above information the clinical significance of this variant cannot be determined with certainty at this time although we would lean towards a more benign role for this variant. This variant is classified as likely benign.

Literature cited by the submitters: PubMed 19935797 (cited by 3 submitters).